The following is an entry in ClinVar:

ClinVar aggregate classification (germline): Uncertain significance. Review status: criteria provided, multiple submitters, no conflicts (2 of 4 stars). 2 submissions from 2 submitters: Uncertain significance (2). Last evaluated 2026-09-28.

Conditions:
Inborn genetic diseases. Identifiers: MedGen C0950123, MeSH D030342.

gnomAD v4.1: 30 of 1,210,068 alleles (0.0025%); highest among the groups gnomAD compares: Non-Finnish European, 0.0034%; no homozygotes.

Submissions (2):

GeneDx
Classification: Uncertain significance. Last evaluated: 2026-09-28. Review status: criteria provided, single submitter. Criteria: GeneDx Variant Classification Process June 2021. Collection method: clinical testing. Allele origin: germline.
Comment: In silico analysis supports that this missense variant has a deleterious effect on protein structure/function; Not observed at significant frequency in large population cohorts (gnomAD); Has not been previously published as pathogenic or benign to our knowledge

Ambry Genetics
Classification: Uncertain significance for Inborn genetic diseases. Last evaluated: 2025-10-24. Review status: criteria provided, single submitter. Criteria: Ambry Variant Classification Scheme 2023. Collection method: clinical testing. Allele origin: germline.

NM_006521.6(TFE3):c.1108G>A (p.Gly370Ser)

Gene: TFE3 (transcription factor binding to IGHM enhancer 3; minus strand). Cytogenetic location: Xp11.23.
Variant type: single nucleotide variant.
Coding change: c.1108G>A on transcript NM_006521.6 (MANE Select); coding-DNA position 1108, G replaced by A.
Protein change: p.Gly370Ser; replaces glycine 370 with serine.
Molecular consequence: missense variant.
Genome position (GRCh38, 1-based): chrX:49,033,493, C>T on the plus strand (G>A on the coding strand, the complement: TFE3 is on the minus strand). VCF-style: chrX-49033493-C-T. GRCh37 (hg19) VCF-style: chrX-48891008-C-T.
Other names: c.793G>A, p.Gly265Ser (NM_001282142.2); c.1108G>A (NM_006521.4); short protein forms G265S, G370S.
Identifiers: ClinVar variation 3343508 (VCV003343508.3).